The following is an entry in ClinVar:

ClinVar aggregate classification (germline): Benign. Review status: criteria provided, multiple submitters, no conflicts (2 of 4 stars). 3 submissions from 3 submitters: Benign (3). Last evaluated 2020-03-19.

Conditions:
Multiple congenital exostosis (EXT). Also called: Hereditary multiple exostoses; Hereditary multiple exostosis; Multiple osteochondromas; Multiple exostoses; MULTIPLE CARTILAGINOUS EXOSTOSES; Hereditary multiple osteochondromas. Identifiers: Orphanet 321, MedGen C0015306, MONDO:0005508, HP:0002762.

Allele frequency attached by ClinVar (database versions not stated): gnomAD 0.03835 and 0.04072; 1000 Genomes Project 0.03994; 1000 Genomes Project 30x 0.04185; TOPMed 0.04366.
gnomAD v4.1: 9,645 of 605,204 alleles (1.6%); highest among the groups gnomAD compares: African/African-American, 12%; 466 homozygotes.

Submissions (3):

GeneDx
Classification: Benign. Last evaluated: 2020-03-19. Review status: criteria provided, single submitter. Criteria: GeneDx Variant Classification Process June 2021. Collection method: clinical testing. Allele origin: germline. Affected: yes.

Illumina Laboratory Services, Illumina
Classification: Benign for Exostoses, multiple, type 1. Last evaluated: 2018-01-12. Review status: criteria provided, single submitter. Criteria: ICSL Variant Classification Criteria 13 December 2019. Collection method: clinical testing. Allele origin: germline.
Comment: This variant was observed in the ICSL laboratory as part of a predisposition screen in an ostensibly healthy population. It had not been previously curated by ICSL or reported in the Human Gene Mutation Database (HGMD: prior to June 1st, 2018), and was therefore a candidate for classification through an automated scoring system. Utilizing variant allele frequency, disease prevalence and penetrance estimates, and inheritance mode, an automated score was calculated to assess if this variant is too frequent to cause the disease. Based on the score and internal cut-off values, a variant classified as benign is not then subjected to further curation. The score for this variant resulted in a classification of benign for this disease.

Breakthrough Genomics
Classification: Benign. Review status: criteria provided, single submitter. Criteria: ACMG Guidelines, 2015. Collection method: not provided. Allele origin: germline. Inheritance: Autosomal dominant inheritance. Affected: yes.

NM_000127.3(EXT1):c.-266C>T

Gene: EXT1 (exostosin glycosyltransferase 1; minus strand). Cytogenetic location: 8q24.11.
Variant type: single nucleotide variant.
Coding change: c.-266C>T on transcript NM_000127.3 (MANE Select); 266 bases upstream of the start codon, C replaced by T.
Molecular consequence: 5 prime UTR variant.
Genome position (GRCh38, 1-based): chr8:118,111,312, G>A on the plus strand (C>T on the coding strand, the complement: EXT1 is on the minus strand). VCF-style: chr8-118111312-G-A. GRCh37 (hg19) VCF-style: chr8-119123551-G-A.
Identifiers: ClinVar variation 361667 (VCV000361667.7), dbSNP rs76805972, ClinGen allele CA10626906.